The following is an entry in ClinVar:

ClinVar aggregate classification (germline): Benign/Likely benign. Review status: criteria provided, multiple submitters, no conflicts (2 of 4 stars). 8 submissions from 8 submitters: Benign (4); Likely benign (2). 2 of the submissions do not count toward it. Last evaluated 2026-09-01.

Conditions:
Inborn genetic diseases. Identifiers: MedGen C0950123, MeSH D030342.
Bohring-Opitz syndrome. Also called: ASXL1-Related Bohring-Opitz Syndrome; C-LIKE SYNDROME; BOHRING SYNDROME; OPITZ TRIGONOCEPHALY-LIKE SYNDROME. Identifiers: Orphanet 97297, MedGen C0796232, MONDO:0011510, OMIM 605039.

Allele frequency attached by ClinVar (database versions not stated): 1000 Genomes Project 0.00260; 1000 Genomes Project 30x 0.00265; gnomAD 0.00538; ExAC 0.00548; gnomAD exomes 0.00589; TOPMed 0.00640; ESP Exome Variant Server 0.00784.
gnomAD v4.1: 13,284 of 1,614,192 alleles (0.82%); highest among the groups gnomAD compares: Non-Finnish European, 1%; 75 homozygotes.

Submissions (8):

CeGaT Center for Human Genetics Tuebingen
Classification: Benign. Last evaluated: 2026-09-01. Review status: criteria provided, single submitter. Criteria: CeGaT Center For Human Genetics Tuebingen Variant Classification Criteria Version 2. Collection method: clinical testing. Allele origin: germline. Affected: yes. Observed: 61 variant alleles.
Comment: ASXL1: BP4, BP7, BS1, BS2

Labcorp Genetics (formerly Invitae), Labcorp
Classification: Benign. Last evaluated: 2026-02-01. Review status: criteria provided, single submitter. Criteria: Invitae Variant Classification Sherloc (09022015). Collection method: clinical testing. Allele origin: germline.

Ambry Genetics
Classification: Likely benign for Inborn genetic diseases. Last evaluated: 2024-10-02. Review status: criteria provided, single submitter. Criteria: Ambry Variant Classification Scheme 2023. Collection method: clinical testing. Allele origin: germline.

Genome-Nilou Lab
Classification: Benign for Bohring-Opitz syndrome. Last evaluated: 2021-12-05. Review status: criteria provided, single submitter. Criteria: ACMG Guidelines, 2015. Collection method: clinical testing. Allele origin: germline. Affected: no.

GeneDx
Classification: Benign. Last evaluated: 2019-01-29. Review status: criteria provided, single submitter. Criteria: GeneDx Variant Classification Process June 2021. Collection method: clinical testing. Allele origin: germline. Affected: yes.

Breakthrough Genomics
Classification: Likely benign. Review status: criteria provided, single submitter. Criteria: ACMG Guidelines, 2015. Collection method: not provided. Allele origin: germline. Inheritance: Autosomal dominant inheritance. Affected: yes.

Clinical Genetics DNA and cytogenetics Diagnostics Lab, Erasmus MC, Erasmus Medical Center
Classification: Benign. Review status: no assertion criteria provided. Collection method: clinical testing. Allele origin: germline. Affected: yes. Study: VKGL Data-share Consensus. Not counted in ClinVar's aggregate classification.

Joint Genome Diagnostic Labs from Nijmegen and Maastricht, Radboudumc and MUMC+
Classification: Benign. Review status: no assertion criteria provided. Collection method: clinical testing. Allele origin: germline. Affected: yes. Study: VKGL Data-share Consensus. Not counted in ClinVar's aggregate classification.

NM_015338.6(ASXL1):c.3513G>A (p.Arg1171=)

Gene: ASXL1 (ASXL transcriptional regulator 1; plus strand). Cytogenetic location: 20q11.21.
Variant type: single nucleotide variant.
Coding change: c.3513G>A on transcript NM_015338.6 (MANE Select); coding-DNA position 3513, G replaced by A.
Protein change: p.Arg1171=; no amino-acid change (arginine 1171 retained).
Molecular consequence: synonymous variant.
Genome position (GRCh38, 1-based): chr20:32,436,225, G>A. VCF-style: chr20-32436225-G-A. GRCh37 (hg19) VCF-style: chr20-31024028-G-A.
Other names: c.3330G>A, p.Arg1110= (NM_001363734.1).
Identifiers: ClinVar variation 338110 (VCV000338110.51), dbSNP rs150391716, ClinGen allele CA9808841.